The following is an entry in ClinVar:

NM_000441.2(SLC26A4):c.1596T>A (p.Ser532Arg)

Gene: SLC26A4 (solute carrier family 26 member 4; plus strand). Cytogenetic location: 7q22.3.
Variant type: single nucleotide variant.
Coding change: c.1596T>A on transcript NM_000441.2 (MANE Select); coding-DNA position 1596, T replaced by A.
Protein change: p.Ser532Arg; replaces serine 532 with arginine.
Molecular consequence: missense variant.
Genome position (GRCh38, 1-based): chr7:107,698,093, T>A. VCF-style: chr7-107698093-T-A. GRCh37 (hg19) VCF-style: chr7-107338538-T-A.
Other names: short protein forms S532R.
Identifiers: ClinVar variation 3336121 (VCV003336121.2).

ClinVar aggregate classification (germline): Likely pathogenic. Review status: criteria provided, multiple submitters, no conflicts (2 of 4 stars). 2 submissions from 2 submitters: Likely pathogenic (2). Last evaluated 2024-05-14.

Conditions:
Autosomal recessive nonsyndromic hearing loss 4 (DFNB4). Also called: FOXI1-Related Pendred Syndrome; KCNJ10-Related Pendred Syndrome; DEAFNESS, AUTOSOMAL RECESSIVE 4, WITH ENLARGED VESTIBULAR AQUEDUCT, DIGENIC; Enlarged vestibular aqueduct, digenic; NEUROSENSORY NONSYNDROMIC RECESSIVE DEAFNESS 4; Deafness, autosomal recessive 4, with enlarged vestibular aqueduct. Identifiers: Orphanet 90636, MedGen C3538946, MONDO:0010933, OMIM 600791.
Pendred syndrome (PDS). Also called: Pendred's syndrome; DEAFNESS WITH GOITER; Pendred Syndrome (PDS); GOITER-DEAFNESS SYNDROME; HYPOTHYROIDISM, CONGENITAL, DUE TO DYSHORMONOGENESIS, 2B; THYROID DYSHORMONOGENESIS 2B. Identifiers: Orphanet 705, MedGen C0271829, MONDO:0010134, OMIM 274600.

gnomAD v4.1: 1 of 1,607,148 alleles (0.000062%); highest among the groups gnomAD compares: African/African-American, 0.0013%; no homozygotes.

Submissions (2):

Fulgent Genetics
Classification: Likely pathogenic for Pendred syndrome; Autosomal recessive nonsyndromic hearing loss 4. Last evaluated: 2024-05-14. Review status: criteria provided, single submitter. Criteria: ACMG Guidelines, 2015. Collection method: clinical testing. Allele origin: germline.

Women's Health and Genetics/Laboratory Corporation of America, LabCorp
Classification: Likely pathogenic for Pendred syndrome. Last evaluated: 2024-05-07. Review status: criteria provided, single submitter. Criteria: LabCorp Variant Classification Summary - May 2015. Collection method: clinical testing. Allele origin: germline.
Comment: Variant summary: SLC26A4 c.1596T>A (p.Ser532Arg) results in a non-conservative amino acid change in the encoded protein sequence. Three of five in-silico tools predict a benign effect of the variant on protein function. The variant was absent in 251184 control chromosomes. c.1596T>A has been reported in the literature in individuals affected with hearing impairment associated with non-syndromic enlarged vestibular aqueduct (Pang_2015). These data indicate that the variant may be associated with disease. To our knowledge, no experimental evidence demonstrating an impact on protein function has been reported. A different variant resulting in the same amino acid consequence (c.1594A>C, p.Ser532Arg) has been classified as pathogenic in ClinVar, supporting the pathogenicity of this variant. The following publication has been ascertained in the context of this evaluation (PMID: 26100058). No submitters have cited clinical-significance assessments for this variant to ClinVar. Based on the evidence outlined above, the variant was classified as likely pathogenic.

Literature cited by the submitters: PubMed 26100058 (cited by Women's Health and Genetics/Laboratory Corporation of America, LabCorp).